The following is an entry in ClinVar:

NM_001830.4(CLCN4):c.692C>T (p.Ala231Val)

Gene: CLCN4 (chloride voltage-gated channel 4; plus strand). Cytogenetic location: Xp22.2.
Variant type: single nucleotide variant.
Coding change: c.692C>T on transcript NM_001830.4 (MANE Select); coding-DNA position 692, C replaced by T.
Protein change: p.Ala231Val; replaces alanine 231 with valine.
Molecular consequence: missense variant.
Genome position (GRCh38, 1-based): chrX:10,206,494, C>T. VCF-style: chrX-10206494-C-T. GRCh37 (hg19) VCF-style: chrX-10174534-C-T.
Other names: c.410C>T, p.Ala137Val (NM_001256944.2); short protein forms A231V, A137V.
Identifiers: ClinVar variation 4746257 (VCV004746257.1).

ClinVar aggregate classification (germline): Uncertain significance (1 of 4 stars; one submission).

Submission:

Labcorp Genetics (formerly Invitae), Labcorp
Classification: Uncertain significance. Last evaluated: 2025-06-29. Review status: criteria provided, single submitter. Criteria: Invitae Variant Classification Sherloc (09022015). Collection method: clinical testing. Allele origin: germline.
Comment: This sequence change replaces alanine, which is neutral and non-polar, with valine, which is neutral and non-polar, at codon 231 of the CLCN4 protein (p.Ala231Val). This variant is not present in population databases (gnomAD no frequency). This variant has not been reported in the literature in individuals affected with CLCN4-related conditions. Invitae Evidence Modeling of protein sequence and biophysical properties (such as structural, functional, and spatial information, amino acid conservation, physicochemical variation, residue mobility, and thermodynamic stability) has been performed for this missense variant. However, the output from this modeling did not meet the statistical confidence thresholds required to predict the impact of this variant on CLCN4 protein function. In summary, the available evidence is currently insufficient to determine the role of this variant in disease. Therefore, it has been classified as a Variant of Uncertain Significance.